The following is an entry in ClinVar:

NM_001244008.2(KIF1A):c.1021A>G (p.Thr341Ala)

Gene: KIF1A (kinesin family member 1A; minus strand). Cytogenetic location: 2q37.3.
Variant type: single nucleotide variant.
Coding change: c.1021A>G on transcript NM_001244008.2 (MANE Select); coding-DNA position 1021, A replaced by G.
Protein change: p.Thr341Ala; replaces threonine 341 with alanine.
Molecular consequence: missense variant.
Genome position (GRCh38, 1-based): chr2:240,774,199, T>C on the plus strand (A>G on the coding strand, the complement: KIF1A is on the minus strand). VCF-style: chr2-240774199-T-C. GRCh37 (hg19) VCF-style: chr2-241713616-T-C.
Other names: c.1021A>G, p.Thr341Ala (NM_001320705.2, NM_001330289.2, NM_001330290.2 and 20 more transcripts); short protein forms T341A.
Identifiers: ClinVar variation 863001 (VCV000863001.15), dbSNP rs2052419658, ClinGen allele CA351296670.

ClinVar aggregate classification (germline): Conflicting classifications of pathogenicity. Review status: criteria provided, conflicting classifications (1 of 4 stars). 3 submissions from 3 submitters: Likely pathogenic (1); Uncertain significance (1). 1 of the submissions does not count toward it. Last evaluated 2020-10-23.

Conditions:
Hereditary spastic paraplegia 30. Identifiers: Orphanet 101010, MedGen C5235139, MONDO:0012476.
Neuropathy, hereditary sensory, type 2C. Also called: Hereditary sensory and autonomic neuropathy type IIC; KIF1A-Related HSAN2 (HSAN2C). Identifiers: Orphanet 970, MedGen C3280168, MONDO:0013634, OMIM 614213.
Intellectual disability, autosomal dominant 9 (NESCAVS). Also called: NESCAV SYNDROME; KIF1A-Related Neurodevelopmental Disorder. Identifiers: Orphanet 662367, MedGen C5393830, MONDO:0013656, OMIM 614255.

Submissions (3):

Institute of Medical Genetics and Applied Genomics, University Hospital Tübingen
Classification: Likely pathogenic. Last evaluated: 2020-10-23. Review status: criteria provided, single submitter. Criteria: ACMG Guidelines, 2015. Collection method: clinical testing. Allele origin: germline. Inheritance: Autosomal unknown. Affected: yes.

Labcorp Genetics (formerly Invitae), Labcorp
Classification: Uncertain significance for Hereditary spastic paraplegia 30; Neuropathy, hereditary sensory, type 2C; Intellectual disability, autosomal dominant 9. Last evaluated: 2019-12-31. Review status: criteria provided, single submitter. Criteria: Invitae Variant Classification Sherloc (09022015). Collection method: clinical testing. Allele origin: germline.
Comment: In summary, the available evidence is currently insufficient to determine the role of this variant in disease. Therefore, it has been classified as a Variant of Uncertain Significance. Algorithms developed to predict the effect of missense changes on protein structure and function (SIFT, PolyPhen-2, Align-GVGD) all suggest that this variant is likely to be disruptive, but these predictions have not been confirmed by published functional studies and their clinical significance is uncertain. This variant has been observed in individual(s) with hereditary spastic paraplegia (Invitae). This variant is not present in population databases (ExAC no frequency). This sequence change replaces threonine with alanine at codon 341 of the KIF1A protein (p.Thr341Ala). The threonine residue is highly conserved and there is a small physicochemical difference between threonine and alanine.

Solve-RD Consortium
Classification: Likely pathogenic for Spastic paraplegia 30A, autosomal dominant. Last evaluated: 2022-06-01. Review status: no assertion criteria provided. Collection method: provider interpretation. Allele origin: inherited. Affected: yes. Not counted in ClinVar's aggregate classification.
Comment: Variant confirmed as disease-causing by referring clinical team

Variant identified during reanalysis of unsolved cases by the Solve-RD project. The Solve-RD project has received funding from the European Union’s Horizon 2020 research and innovation programme under grant agreement No 779257.

Literature cited by the submitters: PubMed 39825153 (cited by Solve-RD Consortium).